The following is an entry in ClinVar:

ClinVar aggregate classification (germline): Uncertain significance (1 of 4 stars; one submission).

Conditions:
Hereditary cancer-predisposing syndrome. Also called: Tumor predisposition; Neoplastic Syndromes, Hereditary; Hereditary neoplastic syndrome; Hereditary Cancer Syndrome. Identifiers: Orphanet 140162, MedGen C0027672, MeSH D009386, MONDO:0015356.

Submission:

Ambry Genetics
Classification: Uncertain significance for Hereditary cancer-predisposing syndrome. Last evaluated: 2024-10-11. Review status: criteria provided, single submitter. Criteria: Ambry Variant Classification Scheme 2023. Collection method: clinical testing. Allele origin: germline.
Comment: The p.R1585T variant (also known as c.4754G>C), located in coding exon 30 of the ATM gene, results from a G to C substitution at nucleotide position 4754. The arginine at codon 1585 is replaced by threonine, an amino acid with similar properties. This amino acid position is conserved. In addition, this alteration is predicted to be tolerated by in silico analysis. Based on the available evidence, the clinical significance of this variant remains unclear.

NM_000051.4(ATM):c.4754G>C (p.Arg1585Thr)

Gene: ATM (ATM serine/threonine kinase; plus strand). Cytogenetic location: 11q22.3.
Variant type: single nucleotide variant.
Coding change: c.4754G>C on transcript NM_000051.4 (MANE Select); coding-DNA position 4754, G replaced by C.
Protein change: p.Arg1585Thr; replaces arginine 1585 with threonine.
Molecular consequence: missense variant.
Genome position (GRCh38, 1-based): chr11:108,293,455, G>C. VCF-style: chr11-108293455-G-C. GRCh37 (hg19) VCF-style: chr11-108164182-G-C.
Other names: c.4754G>C, p.Arg1585Thr (NM_001351834.2); short protein forms R1585T.
Identifiers: ClinVar variation 3451833 (VCV003451833.1).
Genomic context (GRCh38, chr11:108,293,455, plus strand): 5'-TTCCTGACCATGTTGTTTTTAAGGATTTGCGTATTACTCAGCAAAAAATCAAATACAGTA[G>C]AGGACCCTTTTCACTCTTGGAGGTAATAAAAATTTCATCATCTACTATTTTTTATTAGAG-3'
Protein context (NP_000042.3, residues 1575-1595): RITQQKIKYS[Arg1585Thr]GPFSLLEEIN